The following is an entry in ClinVar:

ClinVar aggregate classification (germline): Uncertain significance. Review status: criteria provided, multiple submitters, no conflicts (2 of 4 stars). 2 submissions from 2 submitters: Uncertain significance (2). Last evaluated 2025-07-16.

Conditions:
MKS1-related disorder. Also called: MKS1-related condition; MKS1-related disorders. Identifiers: MedGen CN239382.
Bardet-Biedl syndrome 13 (BBS13). Identifiers: Orphanet 110, MedGen C2673873, MONDO:0014441, OMIM 615990.
Meckel syndrome, type 1 (MKS1). Also called: MECKEL-GRUBER SYNDROME, TYPE 1. Identifiers: Orphanet 564, MedGen C3714506, MONDO:0009571, OMIM 249000.
Joubert syndrome 28 (JBTS28). Identifiers: MedGen C4310705, MONDO:0014928, OMIM 617121.

gnomAD v4.1: 3 of 1,613,588 alleles (0.00019%); highest among the groups gnomAD compares: African/African-American, 0.0013%; no homozygotes.

Submissions (2):

PreventionGenetics, part of Exact Sciences
Classification: Uncertain significance for MKS1-related condition. Last evaluated: 2025-07-16. Review status: criteria provided, single submitter. Criteria: ACMG Guidelines, 2015. Collection method: clinical testing. Allele origin: germline.
Comment: The MKS1 c.155T>C variant is predicted to result in the amino acid substitution p.Ile52Thr. To our knowledge, this variant has not been reported in the literature. This variant is reported in 0.00088% of alleles in individuals of European (Non-Finnish) descent in gnomAD. At this time, the clinical significance of this variant is uncertain due to the absence of conclusive functional and genetic evidence.

Fulgent Genetics
Classification: Uncertain significance for Meckel syndrome, type 1; Bardet-Biedl syndrome 13; Joubert syndrome 28. Last evaluated: 2024-06-15. Review status: criteria provided, single submitter. Criteria: ACMG Guidelines, 2015. Collection method: clinical testing. Allele origin: germline.

NM_017777.4(MKS1):c.155T>C (p.Ile52Thr)

Gene: MKS1 (MKS transition zone complex subunit 1; minus strand). Cytogenetic location: 17q22.
Variant type: single nucleotide variant.
Coding change: c.155T>C on transcript NM_017777.4 (MANE Select); coding-DNA position 155, T replaced by C.
Protein change: p.Ile52Thr; replaces isoleucine 52 with threonine.
Molecular consequence: missense variant. On other transcripts: 5 prime UTR variant (1).
Genome position (GRCh38, 1-based): chr17:58,218,655, A>G on the plus strand (T>C on the coding strand, the complement: MKS1 is on the minus strand). VCF-style: chr17-58218655-A-G. GRCh37 (hg19) VCF-style: chr17-56296016-A-G.
Other names: c.-357T>C (NM_001321268.2); c.155T>C, p.Ile52Thr (NM_001321269.2, NM_001330397.2, NM_001411113.1); short protein forms I52T.
Identifiers: ClinVar variation 3582369 (VCV003582369.2).